The following is an entry in ClinVar:

NM_000038.6(APC):c.220G>T (p.Glu74Ter)

Gene: APC (APC regulator of Wnt signaling pathway; plus strand). Cytogenetic location: 5q22.2.
Variant type: single nucleotide variant.
Coding change: c.220G>T on transcript NM_000038.6 (MANE Select); coding-DNA position 220, G replaced by T.
Protein change: p.Glu74Ter; replaces glutamic acid 74 with a stop codon.
Molecular consequence: nonsense. On other transcripts: 5 prime UTR variant (1).
Genome position (GRCh38, 1-based): chr5:112,766,410, G>T. VCF-style: chr5-112766410-G-T. GRCh37 (hg19) VCF-style: chr5-112102107-G-T.
Other names: c.220G>T, p.Glu74Ter (NM_001127510.3, NM_001354895.2, NM_001354896.2 and 2 more transcripts); c.250G>T, p.Glu84Ter (NM_001127511.3, NM_001354897.2, NM_001354902.2); c.145G>T, p.Glu49Ter (NM_001354898.2, NM_001354904.2); c.43G>T, p.Glu15Ter (NM_001354900.2, NM_001354901.2, NM_001354905.2); c.-816G>T (NM_001354906.2); short protein forms E74*, E84*, E49*, E15*.
Identifiers: ClinVar variation 231074 (VCV000231074.58), dbSNP rs876658941, ClinGen allele CA10578284.

ClinVar aggregate classification (germline): Pathogenic/Likely pathogenic. Review status: criteria provided, multiple submitters, no conflicts (2 of 4 stars). 5 submissions from 5 submitters: Pathogenic (3); Likely pathogenic (1). 1 of the submissions does not count toward it. Last evaluated 2025-08-11.

Conditions:
Carcinoma of colon (CRC). Also called: Colon carcinoma; Colonic carcinoma. Identifiers: MedGen C0699790, MONDO:0002032.
Hereditary cancer-predisposing syndrome. Also called: Hereditary neoplastic syndrome; Tumor predisposition; Neoplastic Syndromes, Hereditary; Hereditary Cancer Syndrome. Identifiers: Orphanet 140162, MedGen C0027672, MeSH D009386, MONDO:0015356.
Familial adenomatous polyposis 1 (FAP1). Also called: POLYPOSIS, ADENOMATOUS INTESTINAL; FAMILIAL ADENOMATOUS POLYPOSIS 1, ATTENUATED. Identifiers: MedGen C2713442, MONDO:0021056, OMIM 175100. Disease mechanism: loss of function.

Submissions (5):

Labcorp Genetics (formerly Invitae), Labcorp
Classification: Pathogenic for Familial adenomatous polyposis 1. Last evaluated: 2025-08-11. Review status: criteria provided, single submitter. Criteria: Invitae Variant Classification Sherloc (09022015). Collection method: clinical testing. Allele origin: germline.
Comment: This sequence change creates a premature translational stop signal (p.Glu74*) in the APC gene. RNA analysis indicates that this premature translational stop signal induces altered splicing and may result in an absent or altered protein product. This variant is not present in population databases (gnomAD no frequency). This premature translational stop signal has been observed in individual(s) with attenuated adenomatous polyposis (PMID: 17411426). ClinVar contains an entry for this variant (Variation ID: 231074). Studies have shown that this premature translational stop signal results in skipping of exon 3, and produces a non-functional protein and/or introduces a premature termination codon (internal data). For these reasons, this variant has been classified as Pathogenic.

Ambry Genetics
Classification: Pathogenic for Hereditary cancer-predisposing syndrome. Last evaluated: 2024-11-22. Review status: criteria provided, single submitter. Criteria: Ambry Variant Classification Scheme 2023. Collection method: clinical testing. Allele origin: germline.
Comment: The c.220G>T pathogenic mutation (also known as p.E74*), located in coding exon 2 of the APC gene, results from a G to T substitution at nucleotide position 220. This changes the amino acid from a glutamic acid to a stop codon within coding exon 2. This mutation has been reported in one or more individuals with attenuated FAP (Ambry internal data; Stekrova Jet al. BMC Med Genet. 2007 Apr 5;8:16). This change occurs in the last base pair of coding exon 2, which makes it likely to have some effect on normal mRNA splicing and RNA studies have shown that this alteration results in a transcript with out-of-frame skipping of coding exon 2 (Ambry internal data; Schwarzov&aacute; L et al. Fam. Cancer 2013 Mar; 12(1):35-42). This variant is considered to be rare based on population cohorts in the Genome Aggregation Database (gnomAD). This nucleotide position is highly conserved in available vertebrate species. In silico splice site analysis predicts that this alteration will weaken the native splice donor site and will result in the creation or strengthening of a novel splice donor site. Based on the supporting evidence, this alteration is interpreted as a disease-causing mutation. However, alterations that result in premature termination in coding exon 2 are associated with an attenuated phenotype and may have reduced penetrance compared to classic familial adenomatous polyposis syndrome. Clinical correlation is advised.

Myriad Genetics, Inc.
Classification: Pathogenic for Familial adenomatous polyposis 1. Last evaluated: 2023-04-25. Review status: criteria provided, single submitter. Criteria: Myriad Autosomal Dominant, Autosomal Recessive and X-Linked Classification Criteria (2023). Collection method: clinical testing. Allele origin: unknown.
Comment: This variant is considered pathogenic. This variant creates a termination codon and is predicted to result in premature protein truncation.

GeneDx
Classification: Likely pathogenic. Last evaluated: 2016-11-08. Review status: criteria provided, single submitter. Criteria: GeneDx Variant Classification (06012015). Collection method: clinical testing. Allele origin: germline. Affected: yes.
Comment: This variant is denoted APC c.220G>T at the cDNA level. Located in the last nucleotide of exon 3, it destroys a natural splice donor site and causes abnormal splicing. RNA analyses by Schwarzova et al. (2013) demonstrated that this variant results in skipping of exon 3, referred to as exon 2 using alternate nomenclature, as well as a second alternate transcript with skipping of exons 3 and 4 (also known as exons 2 and 3). These alternate transcripts may result in the production of some functional protein by using an alternate downstream AUG start codon at position 184. APC proteins produced from this alternate start codon have been shown to have normal cellular localization and ability to regulate B-catenin levels, which may explain the attenuated phenotype seen in some patients with 5' truncating APC variants (Heppner Goss 2002). APC c.220G>T has been seen in at least one individual with colorectal cancer who was reported to have attenuated familial adenomatous polyposis (AFAP), though the number of polyps was not described (Stekrova 2007). Although the nucleotide substitution is predicted to result in the change of a Glutamic Acid to a premature stop codon, and is called Glu74Ter in the literature, we are only using the nucleotide nomenclature to refer to the variant since it is not clear if any truncated protein from the premature stop codon is translated or if the observed abnormal splicing mitigates the effect of the premature stop codon. APC c.220G>T was not observed in approximately 6,500 individuals of European and African American ancestry in the NHLBI Exome Sequencing Project, suggesting it is not a common benign variant in these populations. Based on currently available evidence, we consider APC c.220G>T to be a likely pathogenic variant.

Department of Pathology and Laboratory Medicine, Sinai Health System
Classification: Pathogenic for Carcinoma of colon. Review status: no assertion criteria provided. Collection method: clinical testing. Allele origin: unknown. Affected: yes. Study: The Canadian Open Genetics Repository (COGR). Not counted in ClinVar's aggregate classification.
Comment: The APC p.Glu74X variant was identified in a family with an attenuated form of familial adenomatous polyposis (Schwarzova 2012). The p.Glu74X variant was also identified in HGMD, â€šÃ„ÃºInSiGHT Colon Cancer Databaseâ€šÃ„Ã¹ and LOVD. This alteration would typically be predicted to result in a truncated or absent protein and loss of function; however, one study has demonstrated that for APC mutations closer to the 5â€šÃ„Ã´ terminus, an internal ribosome entry site is utilized to initiate translation at codon 184, resulting in a partially functional N-terminally truncated protein, which results in an attenuated phenotype (Heppner Goss 2002). The p.Glu74X variant occurs in the last base of the exon. This position has been shown to be part of the splicing consensus sequence and variants involving this position sometimes affect splicing. In a functional study by Schwarzova (2012), mRNA analysis showed that this variant created an aberrant splicing product which skipped exon 2 and could lead to expression of a truncated protein 48 amino acids long, or that would partly be subject to nonsense mediated decay. However, the authors of this study found another alternatively spliced APC transcript in all mRNA samples from control colon mucosa; this transcript was also found in the probandâ€šÃ„Ã´s mRNA isolated from blood, but not in control blood samples. The authors suggest that the presence of this transcript in the patientâ€šÃ„Ã´s blood may lead to the attenuated phenotype shown in the positive probandâ€šÃ„Ã´s family. In summary, based on the above information, this variant meets our laboratoryâ€šÃ„Ã´s criteria to be classified as pathogenic.

Literature cited by the submitters: PubMed 17411426 (cited by Labcorp Genetics (formerly Invitae), Labcorp); PubMed 22987206 (cited by Ambry Genetics).